The following is an entry in ClinVar:

ClinVar aggregate classification (germline): Uncertain significance (1 of 4 stars; one submission).

Allele frequency attached by ClinVar (database versions not stated): gnomAD exomes below 0.00001.
gnomAD v4.1: 2 of 1,613,978 alleles (0.00012%); highest among the groups gnomAD compares: East Asian, 0.0022%; no homozygotes.

Submission:

Ambry Genetics
Classification: Uncertain significance. Last evaluated: 2022-07-23. Review status: criteria provided, single submitter. Criteria: Ambry Variant Classification Scheme 2023. Collection method: clinical testing. Allele origin: germline.
Comment: The p.P100S variant (also known as c.298C>T), located in coding exon 4 of the BUB1 gene, results from a C to T substitution at nucleotide position 298. The proline at codon 100 is replaced by serine, an amino acid with similar properties. This amino acid position is conserved. In addition, this alteration is predicted to be tolerated by in silico analysis. Since supporting evidence is limited at this time, the clinical significance of this alteration remains unclear.

NM_004336.5(BUB1):c.298C>T (p.Pro100Ser)

Gene: BUB1 (BUB1 mitotic checkpoint serine/threonine kinase; minus strand). Cytogenetic location: 2q13.
Variant type: single nucleotide variant.
Coding change: c.298C>T on transcript NM_004336.5 (MANE Select); coding-DNA position 298, C replaced by T.
Protein change: p.Pro100Ser; replaces proline 100 with serine.
Molecular consequence: missense variant.
Genome position (GRCh38, 1-based): chr2:110,672,785, G>A on the plus strand (C>T on the coding strand, the complement: BUB1 is on the minus strand). VCF-style: chr2-110672785-G-A. GRCh37 (hg19) VCF-style: chr2-111430362-G-A.
Other names: c.238C>T, p.Pro80Ser (NM_001278616.2); c.298C>T, p.Pro100Ser (NM_001278617.2); short protein forms P100S, P80S.
Identifiers: ClinVar variation 1798497 (VCV001798497.2), dbSNP rs2468036004, ClinGen allele CA348220596.